The following is an entry in ClinVar:

ClinVar aggregate classification (germline): Uncertain significance (1 of 4 stars; one submission).

Conditions:
Autosomal recessive severe congenital neutropenia due to JAGN1 deficiency. Also called: Severe congenital neutropenia 6, autosomal recessive. Identifiers: Orphanet 423384, MedGen C4014954, MONDO:0014456, OMIM 616022.

Allele frequency attached by ClinVar (database versions not stated): gnomAD exomes below 0.00001.
gnomAD v4.1: 6 of 1,614,224 alleles (0.00037%); highest among the groups gnomAD compares: Non-Finnish European, 0.00051%; no homozygotes.

Submission:

Labcorp Genetics (formerly Invitae), Labcorp
Classification: Uncertain significance for Autosomal recessive severe congenital neutropenia due to JAGN1 deficiency. Last evaluated: 2024-11-11. Review status: criteria provided, single submitter. Criteria: Invitae Variant Classification Sherloc (09022015). Collection method: clinical testing. Allele origin: germline.
Comment: This sequence change replaces histidine, which is basic and polar, with tyrosine, which is neutral and polar, at codon 132 of the JAGN1 protein (p.His132Tyr). This variant is present in population databases (no rsID available, gnomAD 0.0009%). This variant has not been reported in the literature in individuals affected with JAGN1-related conditions. ClinVar contains an entry for this variant (Variation ID: 858153). An algorithm developed to predict the effect of missense changes on protein structure and function (PolyPhen-2) suggests that this variant is likely to be tolerated. In summary, the available evidence is currently insufficient to determine the role of this variant in disease. Therefore, it has been classified as a Variant of Uncertain Significance.

NM_032492.4(JAGN1):c.394C>T (p.His132Tyr)

Gene: JAGN1 (jagunal vesicle mediated transporter 1; plus strand). Cytogenetic location: 3p25.3.
Variant type: single nucleotide variant.
Coding change: c.394C>T on transcript NM_032492.4 (MANE Select); coding-DNA position 394, C replaced by T.
Protein change: p.His132Tyr; replaces histidine 132 with tyrosine.
Molecular consequence: missense variant.
Genome position (GRCh38, 1-based): chr3:9,893,219, C>T. VCF-style: chr3-9893219-C-T. GRCh37 (hg19) VCF-style: chr3-9934903-C-T.
Other names: c.232C>T, p.His78Tyr (NM_001363890.1); short protein forms H132Y, H78Y.
Identifiers: ClinVar variation 858153 (VCV000858153.6), dbSNP rs1444848644, ClinGen allele CA351716366.
Genomic context (GRCh38, chr3:9,893,219, plus strand): 5'-ATCGCTCCACTCATTTATGGCAGCATGGAGATGTTCCCTGCTGCACAGCAGCTCTACCGC[C>T]ATGGCAAGGCCTACCGTTTCCTCTTTGGTTTTTCTGCCGTTTCCATCATGTACCTGGTGT-3'
Protein context (NP_115881.3, residues 122-142): MFPAAQQLYR[His132Tyr]GKAYRFLFGF